The following is an entry in ClinVar:

ClinVar aggregate classification (germline): Uncertain significance (1 of 4 stars; one submission).

Conditions:
Luscan-Lumish syndrome. Identifiers: Orphanet 597738, MedGen C4085873, MONDO:0014791, OMIM 616831.

gnomAD v4.1: 2 of 1,613,932 alleles (0.00012%); highest among the groups gnomAD compares: Non-Finnish European, 0.00017%; no homozygotes.

Submission:

Labcorp Genetics (formerly Invitae), Labcorp
Classification: Uncertain significance for Luscan-Lumish syndrome. Last evaluated: 2024-12-16. Review status: criteria provided, single submitter. Criteria: Invitae Variant Classification Sherloc (09022015). Collection method: clinical testing. Allele origin: germline.
Comment: This sequence change replaces glycine, which is neutral and non-polar, with arginine, which is basic and polar, at codon 1681 of the SETD2 protein (p.Gly1681Arg). This variant is not present in population databases (gnomAD no frequency). This variant has not been reported in the literature in individuals affected with SETD2-related conditions. Invitae Evidence Modeling of protein sequence and biophysical properties (such as structural, functional, and spatial information, amino acid conservation, physicochemical variation, residue mobility, and thermodynamic stability) indicates that this missense variant is expected to disrupt SETD2 protein function with a positive predictive value of 80%. In summary, the available evidence is currently insufficient to determine the role of this variant in disease. Therefore, it has been classified as a Variant of Uncertain Significance.

NM_014159.7(SETD2):c.5041G>A (p.Gly1681Arg)

Gene: SETD2 (SET domain containing 2, histone lysine methyltransferase; minus strand). Cytogenetic location: 3p21.31.
Variant type: single nucleotide variant.
Coding change: c.5041G>A on transcript NM_014159.7 (MANE Select); coding-DNA position 5041, G replaced by A.
Protein change: p.Gly1681Arg; replaces glycine 1681 with arginine.
Molecular consequence: missense variant. On other transcripts: non-coding transcript variant (1).
Genome position (GRCh38, 1-based): chr3:47,098,056, C>T on the plus strand (G>A on the coding strand, the complement: SETD2 is on the minus strand). VCF-style: chr3-47098056-C-T. GRCh37 (hg19) VCF-style: chr3-47139546-C-T.
Other names: c.4909G>A, p.Gly1637Arg (NM_001349370.3); short protein forms G1681R, G1637R.
Identifiers: ClinVar variation 3697891 (VCV003697891.2).